The following is an entry in ClinVar:

NM_000459.5(TEK):c.154dup (p.His52fs)

Gene: TEK (TEK receptor tyrosine kinase; plus strand). Cytogenetic location: 9p21.2.
Variant type: Duplication.
Coding change: c.154dup on transcript NM_000459.5 (MANE Select); coding-DNA position 154, one base duplicated (C; older notation c.154dupC).
Protein change: p.His52fs; shifts the reading frame from histidine 52.
Molecular consequence: frameshift variant. On other transcripts: intron variant (1).
Genome position (GRCh38, 1-based): chr9:27,157,932, C duplicated; the last of 5 consecutive C bases (chr9:27,157,928-27,157,932); duplicating any one gives the same sequence. VCF-style (leftmost placement, unchanged base first): chr9-27157927-G-GC. GRCh37 (hg19) VCF-style: chr9-27157925-G-GC.
Other names: c.154dup, p.His52fs (NM_001290077.2, NM_001375475.1, NM_001375476.1); c.53-10563dup (NM_001290078.2); short protein forms H52fs.
Identifiers: ClinVar variation 1333491 (VCV001333491.2), dbSNP rs2131119729, ClinGen allele CA2573053167.
Genomic context (GRCh38, chr9:27,157,927, plus strand): 5'-ATTCCCTACCTCTTGTATCTGATGCTGAAACATCTCTCACCTGCATTGCCTCTGGGTGGC[G>GC]CCCCCATGAGCCCATCACCATAGGAAGGGACTTTGAAGCCTTAATGAACCAGCACCAGGA-3'

ClinVar aggregate classification (germline): Likely pathogenic. Review status: criteria provided, single submitter (1 of 4 stars). 2 submissions from 2 submitters: Likely pathogenic (1). 1 of the submissions does not count toward it. Last evaluated 2022-01-03.

Conditions:
Glaucoma 3, primary congenital, E (GLC3E). Identifiers: MedGen C4310639, MONDO:0014998, OMIM 617272.

Submissions (2):

3billion
Classification: Likely pathogenic for Glaucoma 3, primary congenital, E. Last evaluated: 2022-01-03. Review status: criteria provided, single submitter. Criteria: ACMG Guidelines, 2015. Collection method: clinical testing. Allele origin: germline. Affected: yes. Observed: 1 heterozygote.
Comment: Frameshift: predicted to result in a loss or disruption of normal protein function through nonsense-mediated decay (NMD) or protein truncation. Multiple pathogenic variants are reported downstream of the variant (PVS1_VS). It is not observed in the gnomAD v2.1.1 dataset (PM2_M). Therefore, this variant is classified as likely pathogenic according to the recommendation of ACMG/AMP guideline.

Ophthalmo-Genetics Lab, Instituto de Oftalmologia Conde de Valenciana
Classification: Pathogenic for Glaucoma 3, primary congenital, E. Review status: no assertion criteria provided. Collection method: research. Allele origin: germline. Inheritance: Autosomal dominant inheritance. Affected: yes. Observed: 1 heterozygote. Not counted in ClinVar's aggregate classification.

Literature cited by the submitters: DOI 10.3389/fgene.2021.764509 (cited by Ophthalmo-Genetics Lab, Instituto de Oftalmologia Conde de Valenciana).